The following is an entry in ClinVar:

ClinVar aggregate classification (germline): Uncertain significance (1 of 4 stars; one submission).

Conditions:
Fanconi renotubular syndrome 3 (FRTS3). Identifiers: MedGen C3810100, MONDO:0014275, OMIM 615605.

gnomAD v4.1: 1 of 1,614,158 alleles (0.000062%); highest among the groups gnomAD compares: Non-Finnish European, 0.000085%; no homozygotes.

Submission:

Clinical Genomics Laboratory, Washington University in St. Louis
Classification: Uncertain significance for Fanconi renotubular syndrome 3. Last evaluated: 2025-08-28. Review status: criteria provided, single submitter. Criteria: ACMG Guidelines, 2015. Collection method: clinical testing. Allele origin: germline.
Comment: The EHHADH c.1460C>T (p.Pro487Leu) variant, to our knowledge, has not been reported in the medical literature. This variant is absent from the general population (gnomAD v.2.1.1), indicating it is not a common variant. Computational predictors suggest that the variant does not impact EHHADH function. Due to limited information, the clinical significance of this variant is uncertain.

NM_001966.4(EHHADH):c.1460C>T (p.Pro487Leu)

Gene: EHHADH (enoyl-CoA hydratase and 3-hydroxyacyl CoA dehydrogenase; minus strand). Cytogenetic location: 3q27.2.
Variant type: single nucleotide variant.
Coding change: c.1460C>T on transcript NM_001966.4 (MANE Select); coding-DNA position 1460, C replaced by T.
Protein change: p.Pro487Leu; replaces proline 487 with leucine.
Molecular consequence: missense variant.
Genome position (GRCh38, 1-based): chr3:185,192,938, G>A on the plus strand (C>T on the coding strand, the complement: EHHADH is on the minus strand). VCF-style: chr3-185192938-G-A. GRCh37 (hg19) VCF-style: chr3-184910726-G-A.
Other names: c.1172C>T, p.Pro391Leu (NM_001166415.2); short protein forms P391L, P487L.
Identifiers: ClinVar variation 4279903 (VCV004279903.1).
Genomic context (GRCh38, chr3:185,192,938, plus strand): 5'-TGATCTACCTCCTCTGGTTTGCTGCCTTCTTCTAACAAGAAATATGCCTGATTGTAGTAA[G>A]GATTCAACATTCGATTCCCCACAAATCCAAAACAGTTGCCTACAACGACTCCAATCTTTT-3'
Protein context (NP_001957.2, residues 477-497): FGFVGNRMLN[Pro487Leu]YYNQAYFLLE